The following is an entry in ClinVar:

NM_001999.4(FBN2):c.7559G>A (p.Gly2520Glu)

Gene: FBN2 (fibrillin 2; minus strand). Cytogenetic location: 5q23.3.
Variant type: single nucleotide variant.
Coding change: c.7559G>A on transcript NM_001999.4 (MANE Select); coding-DNA position 7559, G replaced by A.
Protein change: p.Gly2520Glu; replaces glycine 2520 with glutamic acid.
Molecular consequence: missense variant.
Genome position (GRCh38, 1-based): chr5:128,276,073, C>T on the plus strand (G>A on the coding strand, the complement: FBN2 is on the minus strand). VCF-style: chr5-128276073-C-T. GRCh37 (hg19) VCF-style: chr5-127611765-C-T.
Other names: short protein forms G2520E.
Identifiers: ClinVar variation 546395 (VCV000546395.2), dbSNP rs766586054, ClinGen allele CA3394091.

ClinVar aggregate classification (germline): Uncertain significance (1 of 4 stars; one submission).

Allele frequency attached by ClinVar (database versions not stated): gnomAD exomes below 0.00001; ExAC 0.00001.
gnomAD v4.1: 3 of 1,613,790 alleles (0.00019%); highest among the groups gnomAD compares: South Asian, 0.0011%; no homozygotes.

Submission:

GeneDx
Classification: Uncertain significance. Last evaluated: 2018-05-24. Review status: criteria provided, single submitter. Criteria: GeneDx Variant Classification (06012015). Collection method: clinical testing. Allele origin: germline. Affected: yes.
Comment: A variant of uncertain significance has been identified in the FBN2 gene. The G2520E variant has not been published as pathogenic or been reported as benign to our knowledge. This variant is not observed at a significant frequency in large population cohorts (Lek et al., 2016). The G2520E variant is a non-conservative amino acid substitution, which is likely to impact secondary protein structure as these residues differ in polarity, charge, size and/or other properties. In-silico analyses, including protein predictors and evolutionary conservation, support a deleterious effect. However, while the G2520E variant is located within a calcium-binding EGF-like domain of the FBN2 gene, it does not affect a cysteine residue in this domain. Cysteine substitutions in the calcium-binding EGF-like domains represent the majority of pathogenic missense changes associated with congenital contractural arachnodactyly (Collod-Beroud et al., 2003; FrÃ©dÃ©ric et al., 2009). Therefore, based on the currently available information, it is unclear whether this variant is pathogenic or rare benign.